The following is an entry in ClinVar:

ClinVar aggregate classification (germline): Uncertain significance (1 of 4 stars; one submission).

Conditions:
Inborn genetic diseases. Identifiers: MedGen C0950123, MeSH D030342.

Submission:

Ambry Genetics
Classification: Uncertain significance for Inborn genetic diseases. Last evaluated: 2016-11-23. Review status: criteria provided, single submitter. Criteria: Ambry Variant Classification Scheme 2023. Collection method: clinical testing. Allele origin: germline.
Comment: The p.T458A variant (also known as c.1372A>G), located in coding exon 4 of the IQSEC2 gene, results from an A to G substitution at nucleotide position 1372. The threonine at codon 458 is replaced by alanine, an amino acid with similar properties. This variant was not reported in population based cohorts in the following databases: Database of Single Nucleotide Polymorphisms (dbSNP), NHLBI Exome Sequencing Project (ESP), and 1000 Genomes Project. In the ESP, this variant was not observed in 6503 samples with coverage at this position. This amino acid position is highly conserved in available vertebrate species. In addition, the in silico prediction for this alteration is inconclusive. Since supporting evidence is limited at this time, the clinical significance of this alteration remains unclear.

NM_001111125.3(IQSEC2):c.1372A>G (p.Thr458Ala)

Gene: IQSEC2 (IQ motif and Sec7 domain ArfGEF 2; minus strand). Cytogenetic location: Xp11.22.
Variant type: single nucleotide variant.
Coding change: c.1372A>G on transcript NM_001111125.3 (MANE Select); coding-DNA position 1372, A replaced by G.
Protein change: p.Thr458Ala; replaces threonine 458 with alanine.
Molecular consequence: missense variant.
Genome position (GRCh38, 1-based): chrX:53,254,559, T>C on the plus strand (A>G on the coding strand, the complement: IQSEC2 is on the minus strand). VCF-style: chrX-53254559-T-C. GRCh37 (hg19) VCF-style: chrX-53283741-T-C.
Other names: c.1372A>G, p.Thr458Ala (NM_001410736.1); c.757A>G, p.Thr253Ala (NM_015075.2); short protein forms T253A, T458A.
Identifiers: ClinVar variation 1771068 (VCV001771068.2), dbSNP rs2519835784, ClinGen allele CA413167350.